The following is an entry in ClinVar:

NM_005245.4(FAT1):c.12041C>A (p.Thr4014Lys)

Gene: FAT1 (FAT atypical cadherin 1; minus strand). Cytogenetic location: 4q35.2.
Variant type: single nucleotide variant.
Coding change: c.12041C>A on transcript NM_005245.4 (MANE Select); coding-DNA position 12041, C replaced by A.
Protein change: p.Thr4014Lys; replaces threonine 4014 with lysine.
Molecular consequence: missense variant.
Genome position (GRCh38, 1-based): chr4:186,599,960, G>T on the plus strand (C>A on the coding strand, the complement: FAT1 is on the minus strand). VCF-style: chr4-186599960-G-T. GRCh37 (hg19) VCF-style: chr4-187521114-G-T.
Other names: short protein forms T4014K.
Identifiers: ClinVar variation 3660898 (VCV003660898.2).

ClinVar aggregate classification (germline): Uncertain significance (1 of 4 stars; one submission).

Submission:

Labcorp Genetics (formerly Invitae), Labcorp
Classification: Uncertain significance. Last evaluated: 2024-07-30. Review status: criteria provided, single submitter. Criteria: Invitae Variant Classification Sherloc (09022015). Collection method: clinical testing. Allele origin: germline.
Comment: This sequence change replaces threonine, which is neutral and polar, with lysine, which is basic and polar, at codon 4014 of the FAT1 protein (p.Thr4014Lys). This variant is not present in population databases (gnomAD no frequency). This variant has not been reported in the literature in individuals affected with FAT1-related conditions. An algorithm developed to predict the effect of missense changes on protein structure and function (PolyPhen-2) suggests that this variant is likely to be tolerated. In summary, the available evidence is currently insufficient to determine the role of this variant in disease. Therefore, it has been classified as a Variant of Uncertain Significance.